The following is an entry in ClinVar:

NM_000531.6(OTC):c.868-13C>T

Gene: OTC (ornithine transcarbamylase; plus strand). Cytogenetic location: Xp11.4.
Variant type: single nucleotide variant.
Coding change: c.868-13C>T on transcript NM_000531.6 (MANE Select); 13 bases into the intron before coding-DNA position 868, C replaced by T.
Molecular consequence: intron variant.
Genome position (GRCh38, 1-based): chrX:38,411,849, C>T. VCF-style: chrX-38411849-C-T. GRCh37 (hg19) VCF-style: chrX-38271102-C-T.
Other names: c.868-13C>T (NM_001407092.1).
Identifiers: ClinVar variation 2715666 (VCV002715666.4), dbSNP rs371213822, ClinGen allele CA10385955.
Genomic context (GRCh38, chrX:38,411,849, plus strand): 5'-TTAGATACTGAAGAAAACAAATATGACTGCCACATATAATAGTCAAAAAGTGGTCTTATC[C>T]CCATCTCTTTAGACTGCTAAAGTTGCTGCCTCTGACTGGACATTTTTACACTGCTTGCCC-3'

ClinVar aggregate classification (germline): Likely benign. Review status: criteria provided, multiple submitters, no conflicts (2 of 4 stars). 2 submissions from 2 submitters: Likely benign (2). Last evaluated 2026-01-24.

Conditions:
Ornithine carbamoyltransferase deficiency (OTCD). Also called: Ornithine Carbamoyltransferase Deficiency Disease; ORNITHINE TRANSCARBAMYLASE DEFICIENCY; ORNITHINE TRANSCARBAMYLASE DEFICIENCY, HYPERAMMONEMIA DUE TO; OTC DEFICIENCY. Identifiers: Orphanet 664, MedGen C0268542, MONDO:0010703, OMIM 311250.

gnomAD v4.1: 14 of 1,206,884 alleles (0.0012%); highest among the groups gnomAD compares: South Asian, 0.025%; no homozygotes.

Submissions (2):

Labcorp Genetics (formerly Invitae), Labcorp
Classification: Likely benign for Ornithine carbamoyltransferase deficiency. Last evaluated: 2026-01-24. Review status: criteria provided, single submitter. Criteria: Invitae Variant Classification Sherloc (09022015). Collection method: clinical testing. Allele origin: germline.

All of Us Research Program, National Institutes of Health
Classification: Likely benign for Ornithine carbamoyltransferase deficiency. Last evaluated: 2023-12-13. Review status: criteria provided, single submitter. Criteria: ACMG Guidelines, 2015. Collection method: clinical testing. Allele origin: germline. Inheritance: X-linked inheritance. Observed: 1 variant allele, 1 hemizygote.
Comment: This study involves interpretation of variants in research participants for the purpose of population health screening. Participant phenotype was not available at the time of variant classification. Additional details can be found in publication PMID: 35346344, PMCID: PMC8962531